The following is an entry in ClinVar:

ClinVar aggregate classification (germline): Uncertain significance (1 of 4 stars; one submission).

Conditions:
GLI2-related disorder. Also called: GLI2-related condition; GLI2-related disorders.

Submission:

PreventionGenetics, part of Exact Sciences
Classification: Uncertain significance for GLI2-related condition. Last evaluated: 2023-05-23. Review status: criteria provided, single submitter. Criteria: ACMG Guidelines, 2015. Collection method: clinical testing. Allele origin: germline.
Comment: The GLI2 c.3134A>G variant is predicted to result in the amino acid substitution p.Asp1045Gly. To our knowledge, this variant has not been reported in the literature or in a large population database, indicating this variant is rare. At this time, the clinical significance of this variant is uncertain due to the absence of conclusive functional and genetic evidence.

NM_001374353.1(GLI2):c.3083A>G (p.Asp1028Gly)

Gene: GLI2 (GLI family zinc finger 2; plus strand). Cytogenetic location: 2q14.2.
Variant type: single nucleotide variant.
Coding change: c.3083A>G on transcript NM_001374353.1 (MANE Select); coding-DNA position 3083, A replaced by G.
Protein change: p.Asp1028Gly; replaces aspartic acid 1028 with glycine.
Molecular consequence: missense variant.
Genome position (GRCh38, 1-based): chr2:120,989,048, A>G. VCF-style: chr2-120989048-A-G. GRCh37 (hg19) VCF-style: chr2-121746624-A-G.
Other names: c.3134A>G, p.Asp1045Gly (NM_001371271.1, NM_005270.5); c.2708A>G, p.Asp903Gly (NM_001374354.1); short protein forms D1028G, D1045G, D903G.
Identifiers: ClinVar variation 2633112 (VCV002633112.1), dbSNP rs1340833371, ClinGen allele CA348171319.